The following is an entry in ClinVar:

ClinVar aggregate classification (germline): Conflicting classifications of pathogenicity. Review status: criteria provided, conflicting classifications (1 of 4 stars). 3 submissions from 3 submitters: Pathogenic (1); Benign (1). 1 of the submissions does not count toward it. Last evaluated 2026-04-01.

Conditions:
DNAH14-related disorder. Also called: DNAH14-related condition.
Primary ciliary dyskinesia. Also called: Ciliary dyskinesia. Identifiers: Orphanet 244, MedGen C0008780, MONDO:0016575, HP:0012265.

Submissions (3):

Department of Human Genetics, Hannover Medical School
Classification: Pathogenic for Primary Ciliary Dyskinesia. Last evaluated: 2026-04-01. Review status: criteria provided, single submitter. Criteria: ACMG Guidelines, 2015. Collection method: research. Allele origin: germline. Affected: no.
Comment: Classification performed by HerediClassify using the following criteria:['PVS1_protein_very_strong: Transcript ENST00000682510 is predicted to undergo NMD.', "PP4_moderate: The PICADAR socre of 10.0 exceeds threshold of 8 achieving 'strong' evidence strength."]

CeGaT Center for Human Genetics Tuebingen
Classification: Benign. Last evaluated: 2023-10-01. Review status: criteria provided, single submitter. Criteria: CeGaT Center For Human Genetics Tuebingen Variant Classification Criteria Version 2. Collection method: clinical testing. Allele origin: germline. Affected: yes. Observed: 1 variant allele.
Comment: DNAH14: BS1, BS2

PreventionGenetics, part of Exact Sciences
Classification: Likely benign for DNAH14-related condition. Last evaluated: 2023-04-19. Review status: no assertion criteria provided. Collection method: clinical testing. Allele origin: germline. Not counted in ClinVar's aggregate classification.
Comment: This variant is classified as likely benign based on ACMG/AMP sequence variant interpretation guidelines (Richards et al. 2015 PMID: 25741868, with internal and published modifications).

NM_001367479.1(DNAH14):c.3397del (p.Met1133fs)

Gene: DNAH14 (dynein axonemal heavy chain 14; plus strand). Cytogenetic location: 1q42.12.
Variant type: Deletion.
Coding change: c.3397del on transcript NM_001367479.1 (MANE Select); coding-DNA position 3397, one base deleted (A; older notation c.3397delA).
Protein change: p.Met1133fs; shifts the reading frame from methionine 1133.
Molecular consequence: frameshift variant.
Genome position (GRCh38, 1-based): chr1:225,085,613, A deleted; the last of 6 consecutive A bases (chr1:225,085,608-225,085,613); deleting any one gives the same sequence. VCF-style (leftmost placement, unchanged base first): chr1-225085607-GA-G. GRCh37 (hg19) VCF-style: chr1-225273309-GA-G.
Other names: NM_001373.1:c.3397delA; short protein forms M1133fs.
Identifiers: ClinVar variation 2639946 (VCV002639946.26), dbSNP rs555051718, ClinGen allele CA1415883.